The following is an entry in ClinVar:

ClinVar aggregate classification (germline): Benign/Likely benign. Review status: criteria provided, multiple submitters, no conflicts (2 of 4 stars). 3 submissions from 3 submitters: Benign (2); Likely benign (1). Last evaluated 2026-02-13.

Conditions:
Familial thoracic aortic aneurysm and aortic dissection (TAAD). Also called: Thoracic aortic aneurysms and dissections. Identifiers: Orphanet 91387, MedGen C4707243, MONDO:0019625.

Submissions (3):

Women's Health and Genetics/Laboratory Corporation of America, LabCorp
Classification: Benign. Last evaluated: 2026-02-13. Review status: criteria provided, single submitter. Criteria: LabCorp Variant Classification Summary - May 2015. Collection method: clinical testing. Allele origin: germline.
Comment: Variant summary: TGFBR2 c.263+17delA alters a non-conserved nucleotide located at a position not widely known to affect splicing. Consensus agreement among computation tools predict no significant impact on normal splicing. However, these predictions have yet to be confirmed by functional studies. The variant allele was found at a frequency of 0.00016 in 250824 control chromosomes. The observed variant frequency exceeds the estimated maximal expected allele frequency for disease-causing variants in TGFBR2. To our knowledge, no occurrence of c.263+17delA in individuals affected with TGFBR2-related conditions and no experimental evidence demonstrating its impact on protein function have been reported. ClinVar contains an entry for this variant (Variation ID: 1170762). Based on the evidence outlined above, the variant was classified as benign.

Labcorp Genetics (formerly Invitae), Labcorp
Classification: Benign for Familial thoracic aortic aneurysm and aortic dissection. Last evaluated: 2026-01-19. Review status: criteria provided, single submitter. Criteria: Invitae Variant Classification Sherloc (09022015). Collection method: clinical testing. Allele origin: germline.

Blueprint Genetics
Classification: Likely benign. Last evaluated: 2024-05-13. Review status: criteria provided, single submitter. Criteria: ACMG Guidelines, 2015. Collection method: clinical testing. Allele origin: germline.

NM_003242.6(TGFBR2):c.263+17del

Gene: TGFBR2 (transforming growth factor beta receptor 2; plus strand). Cytogenetic location: 3p24.1.
Variant type: Deletion.
Coding change: c.263+17del on transcript NM_003242.6 (MANE Select); 17 bases into the intron after coding-DNA position 263, one base deleted (A; older notation c.263+17delA).
Molecular consequence: intron variant.
Genome position (GRCh38, 1-based): chr3:30,644,932, A deleted; the last of 2 consecutive A bases (chr3:30,644,931-30,644,932); deleting either gives the same sequence. VCF-style (leftmost placement, unchanged base first): chr3-30644930-TA-T. GRCh37 (hg19) VCF-style: chr3-30686422-TA-T.
Other names: c.158+17del (NM_001407129.1, NM_001407132.1, NM_001407136.1 and 3 more transcripts); c.338+17del (NM_001407126.1, NM_001024847.3, NM_001407139.1); c.169+21659del (NM_001407137.1); c.263+17del (NM_001407127.1, NM_001407130.1); c.95-26706del (NM_001407138.1); c.290+17del (NM_001407128.1); c.263+17delA (NM_003242.6).
Identifiers: ClinVar variation 1170762 (VCV001170762.10), dbSNP rs754721647, ClinGen allele CA047591.